The following is an entry in ClinVar:

NM_001999.4(FBN2):c.7570C>T (p.Gln2524Ter)

Gene: FBN2 (fibrillin 2; minus strand). Cytogenetic location: 5q23.3.
Variant type: single nucleotide variant.
Coding change: c.7570C>T on transcript NM_001999.4 (MANE Select); coding-DNA position 7570, C replaced by T.
Protein change: p.Gln2524Ter; replaces glutamine 2524 with a stop codon.
Molecular consequence: nonsense.
Genome position (GRCh38, 1-based): chr5:128,276,062, G>A on the plus strand (C>T on the coding strand, the complement: FBN2 is on the minus strand). VCF-style: chr5-128276062-G-A. GRCh37 (hg19) VCF-style: chr5-127611754-G-A.
Other names: short protein forms Q2524*.
Identifiers: ClinVar variation 3342996 (VCV003342996.1).

ClinVar aggregate classification (germline): Uncertain significance (1 of 4 stars; one submission).

Submission:

GeneDx
Classification: Uncertain significance. Last evaluated: 2023-04-04. Review status: criteria provided, single submitter. Criteria: GeneDx Variant Classification Process June 2021. Collection method: clinical testing. Allele origin: germline. Affected: yes.
Comment: Has not been previously published as pathogenic or benign to our knowledge; Not observed at significant frequency in large population cohorts (gnomAD); Nonsense variant predicted to result in protein truncation or nonsense mediated decay in a gene or region of a gene for which loss of function is not a well-established mechanism of disease